The following is an entry in ClinVar:

NM_007118.4(TRIO):c.4592A>G (p.Tyr1531Cys)

Gene: TRIO (trio Rho guanine nucleotide exchange factor; plus strand). Cytogenetic location: 5p15.2.
Variant type: single nucleotide variant.
Coding change: c.4592A>G on transcript NM_007118.4 (MANE Select); coding-DNA position 4592, A replaced by G.
Protein change: p.Tyr1531Cys; replaces tyrosine 1531 with cysteine.
Molecular consequence: missense variant. On other transcripts: non-coding transcript variant (1).
Genome position (GRCh38, 1-based): chr5:14,399,048, A>G. VCF-style: chr5-14399048-A-G. GRCh37 (hg19) VCF-style: chr5-14399157-A-G.
Other names: short protein forms Y1531C.
Identifiers: ClinVar variation 1313674 (VCV001313674.3), dbSNP rs2152373824, ClinGen allele CA359234904.

ClinVar aggregate classification (germline): Uncertain significance (1 of 4 stars; one submission).

gnomAD v4.1: 1 of 1,614,120 alleles (0.000062%); no homozygotes.

Submission:

GeneDx
Classification: Uncertain significance. Last evaluated: 2024-03-02. Review status: criteria provided, single submitter. Criteria: GeneDx Variant Classification Process June 2021. Collection method: clinical testing. Allele origin: germline. Affected: yes.
Comment: Not observed at significant frequency in large population cohorts (gnomAD); In silico analysis supports that this missense variant has a deleterious effect on protein structure/function; Has not been previously published as pathogenic or benign to our knowledge